The following is an entry in ClinVar:

ClinVar aggregate classification (germline): Likely benign (1 of 4 stars; one submission).

Conditions:
Weaver syndrome (WVS). Also called: Weaver Smith syndrome; Overgrowth syndrome with accelerated skeletal maturation, unusual facies, and camptodactyly. Identifiers: Orphanet 3447, MedGen C0265210, MONDO:0010193, OMIM 277590.

Submission:

Centre for Medical Genetics,  Mumbai
Classification: Likely benign for Weaver syndrome. Last evaluated: 2026-01-30. Review status: criteria provided, single submitter. Criteria: ACMG Guidelines, 2015. Collection method: provider interpretation. Allele origin: germline. Inheritance: Autosomal dominant inheritance. Affected: no. Observed: 1 heterozygote.
Comment: The variant satisfies PM2 criteria; Extremely low frequency in gnomAD population databases. The variant satisfies PP2 criteria; Missense variant in a gene with low rate of benign missense mutations and for which missense mutation is a common mechanism of a disease. However, the variant satisfies BS2 criteria.

Literature cited by the submitters: PubMed 4366187.

NM_004456.5(EZH2):c.22T>A (p.Ser8Thr)

Gene: EZH2 (enhancer of zeste 2 polycomb repressive complex 2 subunit; minus strand). Cytogenetic location: 7q36.1.
Variant type: single nucleotide variant.
Coding change: c.22T>A on transcript NM_004456.5 (MANE Select); coding-DNA position 22, T replaced by A.
Protein change: p.Ser8Thr; replaces serine 8 with threonine.
Molecular consequence: missense variant.
Genome position (GRCh38, 1-based): chr7:148,847,277, A>T on the plus strand (T>A on the coding strand, the complement: EZH2 is on the minus strand). VCF-style: chr7-148847277-A-T. GRCh37 (hg19) VCF-style: chr7-148544369-A-T.
Other names: c.22T>A, p.Ser8Thr (NM_001203247.2, NM_001203248.2, NM_001203249.2 and 1 more transcripts); short protein forms S8T.
Identifiers: ClinVar variation 4688064 (VCV004688064.1).